The following is an entry in ClinVar:

NM_000152.5(GAA):c.1826A>T (p.Tyr609Phe)

Gene: GAA (alpha glucosidase; plus strand). Cytogenetic location: 17q25.3.
Variant type: single nucleotide variant.
Coding change: c.1826A>T on transcript NM_000152.5 (MANE Select); coding-DNA position 1826, A replaced by T.
Protein change: p.Tyr609Phe; replaces tyrosine 609 with phenylalanine.
Molecular consequence: missense variant.
Genome position (GRCh38, 1-based): chr17:80,112,649, A>T. VCF-style: chr17-80112649-A-T. GRCh37 (hg19) VCF-style: chr17-78086448-A-T.
Other names: c.1826A>T, p.Tyr609Phe (NM_001079803.3, NM_001079804.3); c.1826A>T (NM_000152.4); short protein forms Y609F.
Identifiers: ClinVar variation 971083 (VCV000971083.9), dbSNP rs2039264297, ClinGen allele CA401369527.

ClinVar aggregate classification (germline): Uncertain significance. Review status: criteria provided, single submitter (1 of 4 stars). 2 submissions from 2 submitters: Uncertain significance (1). 1 of the submissions does not count toward it. Last evaluated 2024-10-16.

Conditions:
Glycogen storage disease, type II (IOPD). Also called: Glucosidase acid-1,4-alpha deficiency; Pompe Disease; GLYCOGENOSIS, GENERALIZED, CARDIAC FORM; GSD II; Glycogen storage disease type 2; Acid maltase deficiency disease. Identifiers: Orphanet 365, MedGen C0017921, MONDO:0009290, OMIM 232300.

Allele frequency attached by ClinVar (database versions not stated): TOPMed below 0.00001.

Submissions (2):

Labcorp Genetics (formerly Invitae), Labcorp
Classification: Uncertain significance for Glycogen storage disease, type II. Last evaluated: 2024-10-16. Review status: criteria provided, single submitter. Criteria: Invitae Variant Classification Sherloc (09022015). Collection method: clinical testing. Allele origin: germline.
Comment: This sequence change replaces tyrosine, which is neutral and polar, with phenylalanine, which is neutral and non-polar, at codon 609 of the GAA protein (p.Tyr609Phe). This variant is not present in population databases (gnomAD no frequency). This variant has not been reported in the literature in individuals affected with GAA-related conditions. ClinVar contains an entry for this variant (Variation ID: 971083). An algorithm developed to predict the effect of missense changes on protein structure and function outputs the following: PolyPhen-2: "Benign". The phenylalanine amino acid residue is found in multiple mammalian species, which suggests that this missense change does not adversely affect protein function. In summary, the available evidence is currently insufficient to determine the role of this variant in disease. Therefore, it has been classified as a Variant of Uncertain Significance.

Natera, Inc.
Classification: Uncertain significance for Glycogen storage disease type II. Last evaluated: 2025-02-24. Review status: no assertion criteria provided. Collection method: clinical testing. Allele origin: germline. Not counted in ClinVar's aggregate classification.